The following is an entry in ClinVar:

NM_020822.3(KCNT1):c.3427C>A (p.Arg1143Ser)

Gene: KCNT1 (potassium sodium-activated channel subfamily T member 1; plus strand). Cytogenetic location: 9q34.3.
Variant type: single nucleotide variant.
Coding change: c.3427C>A on transcript NM_020822.3 (MANE Select); coding-DNA position 3427, C replaced by A.
Protein change: p.Arg1143Ser; replaces arginine 1143 with serine.
Molecular consequence: missense variant.
Genome position (GRCh38, 1-based): chr9:135,786,446, C>A. VCF-style: chr9-135786446-C-A. GRCh37 (hg19) VCF-style: chr9-138678292-C-A.
Other names: c.3292C>A, p.Arg1098Ser (NM_001272003.2); short protein forms R1098S, R1143S.
Identifiers: ClinVar variation 1360405 (VCV001360405.8), dbSNP rs760923308, ClinGen allele CA375492152.

ClinVar aggregate classification (germline): Uncertain significance (1 of 4 stars; one submission).

Conditions:
Autosomal dominant nocturnal frontal lobe epilepsy 5. Also called: Epilepsy, nocturnal frontal lobe, 5; CILIARY DYSKINESIA, PRIMARY, 28, WITHOUT SITUS INVERSUS; CILIARY DYSKINESIA, PRIMARY, 28, WITH SITUS INVERSUS; KCNT1-Related Epilepsy. Identifiers: Orphanet 98784, MedGen C3554306, MONDO:0014002, OMIM 615005.
Developmental and epileptic encephalopathy, 14 (DEE14). Also called: Early infantile epileptic encephalopathy 14. Identifiers: Orphanet 293181, MedGen C3554195, MONDO:0013989, OMIM 614959.

Submission:

Labcorp Genetics (formerly Invitae), Labcorp
Classification: Uncertain significance for Autosomal dominant nocturnal frontal lobe epilepsy 5; Developmental and epileptic encephalopathy, 14. Last evaluated: 2021-12-02. Review status: criteria provided, single submitter. Criteria: Invitae Variant Classification Sherloc (09022015). Collection method: clinical testing. Allele origin: germline.
Comment: This variant has not been reported in the literature in individuals affected with KCNT1-related conditions. In summary, the available evidence is currently insufficient to determine the role of this variant in disease. Therefore, it has been classified as a Variant of Uncertain Significance. Advanced modeling of protein sequence and biophysical properties (such as structural, functional, and spatial information, amino acid conservation, physicochemical variation, residue mobility, and thermodynamic stability) performed at Invitae indicates that this missense variant is not expected to disrupt KCNT1 protein function. This variant is not present in population databases (gnomAD no frequency). This sequence change replaces arginine, which is basic and polar, with serine, which is neutral and polar, at codon 1143 of the KCNT1 protein (p.Arg1143Ser).